The following is an entry in ClinVar:

NM_001359.2(DECR1):c.58G>A (p.Ala20Thr)

Gene: DECR1 (2,4-dienoyl-CoA reductase 1; plus strand). Cytogenetic location: 8q21.3.
Variant type: single nucleotide variant.
Coding change: c.58G>A on transcript NM_001359.2 (MANE Select); coding-DNA position 58, G replaced by A.
Protein change: p.Ala20Thr; replaces alanine 20 with threonine.
Molecular consequence: missense variant. On other transcripts: 5 prime UTR variant (1).
Genome position (GRCh38, 1-based): chr8:90,001,550, G>A. VCF-style: chr8-90001550-G-A. GRCh37 (hg19) VCF-style: chr8-91013778-G-A.
Other names: c.-610G>A (NM_001330575.2); c.58G>A (NM_001359.1); short protein forms A20T.
Identifiers: ClinVar variation 1498201 (VCV001498201.9), dbSNP rs1020272663, ClinGen allele CA181290840.

ClinVar aggregate classification (germline): Uncertain significance. Review status: criteria provided, multiple submitters, no conflicts (2 of 4 stars). 2 submissions from 2 submitters: Uncertain significance (2). Last evaluated 2024-03-25.

Conditions:
Progressive encephalopathy with leukodystrophy due to DECR deficiency. Identifiers: Orphanet 431361, MedGen C1857252, MONDO:0014464, OMIM 616034.

Allele frequency attached by ClinVar (database versions not stated): gnomAD 0.00001; TOPMed 0.00001; gnomAD exomes 0.00005.

Submissions (2):

Ambry Genetics
Classification: Uncertain significance. Last evaluated: 2024-03-25. Review status: criteria provided, single submitter. Criteria: Ambry Variant Classification Scheme 2023. Collection method: clinical testing. Allele origin: germline.

Labcorp Genetics (formerly Invitae), Labcorp
Classification: Uncertain significance for Progressive encephalopathy with leukodystrophy due to DECR deficiency. Last evaluated: 2021-05-12. Review status: criteria provided, single submitter. Criteria: Invitae Variant Classification Sherloc (09022015). Collection method: clinical testing. Allele origin: germline.
Comment: In summary, the available evidence is currently insufficient to determine the role of this variant in disease. Therefore, it has been classified as a Variant of Uncertain Significance. This sequence change replaces alanine with threonine at codon 20 of the DECR1 protein (p.Ala20Thr). The alanine residue is weakly conserved and there is a small physicochemical difference between alanine and threonine. This variant is not present in population databases (ExAC no frequency). Algorithms developed to predict the effect of missense changes on protein structure and function are either unavailable or do not agree on the potential impact of this missense change (SIFT: "Deleterious"; PolyPhen-2: "Benign"; Align-GVGD: "Class C0").